The following is an entry in ClinVar:

NM_001943.5(DSG2):c.303A>G (p.Ile101Met)

Gene: DSG2 (desmoglein 2; plus strand). Cytogenetic location: 18q12.1.
Variant type: single nucleotide variant.
Coding change: c.303A>G on transcript NM_001943.5 (MANE Select); coding-DNA position 303, A replaced by G.
Protein change: p.Ile101Met; replaces isoleucine 101 with methionine.
Molecular consequence: missense variant.
Genome position (GRCh38, 1-based): chr18:31,520,889, A>G. VCF-style: chr18-31520889-A-G. GRCh37 (hg19) VCF-style: chr18-29100852-A-G.
Other names: short protein forms I101M.
Identifiers: ClinVar variation 924023 (VCV000924023.6), dbSNP rs755433039, ClinGen allele CA047804.

ClinVar aggregate classification (germline): Uncertain significance. Review status: criteria provided, multiple submitters, no conflicts (2 of 4 stars). 2 submissions from 2 submitters: Uncertain significance (2). Last evaluated 2025-06-24.

Conditions:
Cardiovascular phenotype. Identifiers: MedGen CN230736.
Cardiomyopathy (CMYO). Also called: Cardiomyopathies. Identifiers: Orphanet 167848, MedGen C0878544, MONDO:0004994, HP:0001638. Inheritance: Various modes of inheritance.

Allele frequency attached by ClinVar (database versions not stated): gnomAD exomes below 0.00001 and 0.00002; ExAC 0.00001.
gnomAD v4.1: 11 of 1,613,862 alleles (0.00068%); highest among the groups gnomAD compares: East Asian, 0.02%; no homozygotes.

Submissions (2):

Color Diagnostics, LLC DBA Color Health
Classification: Uncertain significance for Cardiomyopathy. Last evaluated: 2025-06-24. Review status: criteria provided, single submitter. Criteria: ACMG Guidelines, 2015. Collection method: clinical testing. Allele origin: germline.
Comment: This missense variant replaces isoleucine with methionine at codon 101 of the DSG2 protein. Computational prediction suggests that this variant may not impact protein structure and function. To our knowledge, functional studies have not been reported for this variant. This variant has been reported in an individual affected with arrhythmogenic right ventricular cardiomyopathy (PMID: 30699244). This variant has been identified in 1/249182 chromosomes in the general population by the Genome Aggregation Database (gnomAD). The available evidence is insufficient to determine the role of this variant in disease conclusively. Therefore, this variant is classified as a Variant of Uncertain Significance.

Ambry Genetics
Classification: Uncertain significance for Cardiovascular phenotype. Last evaluated: 2020-09-29. Review status: criteria provided, single submitter. Criteria: Ambry Variant Classification Scheme 2023. Collection method: clinical testing. Allele origin: germline.
Comment: The p.I101M variant (also known as c.303A>G), located in coding exon 4 of the DSG2 gene, results from an A to G substitution at nucleotide position 303. The isoleucine at codon 101 is replaced by methionine, an amino acid with highly similar properties. This amino acid position is poorly conserved in available vertebrate species. In addition, this alteration is predicted to be tolerated by in silico analysis. Since supporting evidence is limited at this time, the clinical significance of this alteration remains unclear.

Literature cited by the submitters: PubMed 30699244 (cited by Color Diagnostics, LLC DBA Color Health).